The following is an entry in ClinVar:

NM_000256.3(MYBPC3):c.1347G>T (p.Val449=)

Gene: MYBPC3 (myosin binding protein C3; minus strand). Cytogenetic location: 11p11.2.
Variant type: single nucleotide variant.
Coding change: c.1347G>T on transcript NM_000256.3 (MANE Select); coding-DNA position 1347, G replaced by T.
Protein change: p.Val449=; no amino-acid change (valine 449 retained).
Molecular consequence: synonymous variant.
Genome position (GRCh38, 1-based): chr11:47,343,025, C>A on the plus strand (G>T on the coding strand, the complement: MYBPC3 is on the minus strand). VCF-style: chr11-47343025-C-A. GRCh37 (hg19) VCF-style: chr11-47364576-C-A.
Other names: c.1347G>T, p.Val449= (LRG_386t1).
Identifiers: ClinVar variation 628715 (VCV000628715.18), dbSNP rs539453748, ClinGen allele CA078009.

ClinVar aggregate classification (germline): Benign/Likely benign. Review status: criteria provided, multiple submitters, no conflicts (2 of 4 stars). 7 submissions from 7 submitters: Benign (2); Likely benign (5). Last evaluated 2025-07-29.

Conditions:
Cardiovascular phenotype. Identifiers: MedGen CN230736.
Hypertrophic cardiomyopathy. Also called: HYPERTROPHIC MYOCARDIOPATHY. Identifiers: Orphanet 217569, MedGen C0007194, MeSH D002312, MONDO:0005045, HP:0001639.
Cardiomyopathy (CMYO). Also called: Cardiomyopathies. Identifiers: Orphanet 167848, MedGen C0878544, MONDO:0004994, HP:0001638. Inheritance: Various modes of inheritance.

Allele frequency attached by ClinVar (database versions not stated): gnomAD exomes 0.00004 and 0.00009; ExAC 0.00014; 1000 Genomes Project 30x 0.00031; 1000 Genomes Project 0.00040.

Submissions (7):

Labcorp Genetics (formerly Invitae), Labcorp
Classification: Benign for Hypertrophic cardiomyopathy. Last evaluated: 2025-07-29. Review status: criteria provided, single submitter. Criteria: Invitae Variant Classification Sherloc (09022015). Collection method: clinical testing. Allele origin: germline.

All of Us Research Program, National Institutes of Health
Classification: Likely benign for Hypertrophic cardiomyopathy. Last evaluated: 2023-11-02. Review status: criteria provided, single submitter. Criteria: ACMG Guidelines, 2015. Collection method: clinical testing. Allele origin: germline. Inheritance: Autosomal dominant inheritance. Observed: 5 variant alleles, 5 heterozygotes.
Comment: This study involves interpretation of variants in research participants for the purpose of population health screening. Participant phenotype was not available at the time of variant classification. Additional details can be found in publication PMID: 35346344, PMCID: PMC8962531

Blueprint Genetics
Classification: Likely benign. Last evaluated: 2023-02-27. Review status: criteria provided, single submitter. Criteria: ACMG Guidelines, 2015. Collection method: clinical testing. Allele origin: germline.

CHEO Genetics Diagnostic Laboratory, Children's Hospital of Eastern Ontario
Classification: Likely benign for Cardiomyopathy. Last evaluated: 2021-11-09. Review status: criteria provided, single submitter. Criteria: ACMG Guidelines, 2015. Collection method: clinical testing. Allele origin: germline.

Ambry Genetics
Classification: Likely benign for Cardiovascular phenotype. Last evaluated: 2019-04-15. Review status: criteria provided, single submitter. Criteria: Ambry Variant Classification Scheme 2023. Collection method: clinical testing. Allele origin: germline.

Color Diagnostics, LLC DBA Color Health
Classification: Likely benign for Cardiomyopathy. Last evaluated: 2018-06-18. Review status: criteria provided, single submitter. Criteria: ACMG Guidelines, 2015. Collection method: clinical testing. Allele origin: germline.

GeneDx
Classification: Benign. Last evaluated: 2015-03-03. Review status: criteria provided, single submitter. Criteria: GeneDx Variant Classification Process June 2021. Collection method: clinical testing. Allele origin: germline. Affected: yes.